The following is an entry in ClinVar:

NM_004304.5(ALK):c.3011T>C (p.Val1004Ala)

Gene: ALK (ALK receptor tyrosine kinase; minus strand). Cytogenetic location: 2p23.2.
Variant type: single nucleotide variant.
Coding change: c.3011T>C on transcript NM_004304.5 (MANE Select); coding-DNA position 3011, T replaced by C.
Protein change: p.Val1004Ala; replaces valine 1004 with alanine.
Molecular consequence: missense variant.
Genome position (GRCh38, 1-based): chr2:29,226,978, A>G on the plus strand (T>C on the coding strand, the complement: ALK is on the minus strand). VCF-style: chr2-29226978-A-G. GRCh37 (hg19) VCF-style: chr2-29449844-A-G.
Other names: short protein forms V1004A.
Identifiers: ClinVar variation 1411149 (VCV001411149.6), dbSNP rs2148178460, ClinGen allele CA346467645.

ClinVar aggregate classification (germline): Uncertain significance (1 of 4 stars; one submission).

Conditions:
Neuroblastoma, susceptibility to, 3. Also called: ALK-Related Neuroblastic Tumor Susceptibility. Identifiers: Orphanet 635, MedGen C2751681, MONDO:0013083, OMIM 613014.

Submission:

Labcorp Genetics (formerly Invitae), Labcorp
Classification: Uncertain significance for Neuroblastoma, susceptibility to, 3. Last evaluated: 2021-08-13. Review status: criteria provided, single submitter. Criteria: Invitae Variant Classification Sherloc (09022015). Collection method: clinical testing. Allele origin: germline.
Comment: In summary, the available evidence is currently insufficient to determine the role of this variant in disease. Therefore, it has been classified as a Variant of Uncertain Significance. Algorithms developed to predict the effect of missense changes on protein structure and function are either unavailable or do not agree on the potential impact of this missense change (SIFT: "Deleterious"; PolyPhen-2: "Benign"; Align-GVGD: "Class C25"). This variant has not been reported in the literature in individuals affected with ALK-related conditions. This variant is not present in population databases (ExAC no frequency). This sequence change replaces valine with alanine at codon 1004 of the ALK protein (p.Val1004Ala). The valine residue is highly conserved and there is a small physicochemical difference between valine and alanine.